The following is an entry in ClinVar:

ClinVar aggregate classification (germline): Likely pathogenic (1 of 4 stars; one submission).

Conditions:
Hemolytic uremic syndrome, atypical, susceptibility to, 1. Also called: AHUS, SUSCEPTIBILITY TO, 1. Identifiers: Orphanet 2134, Orphanet 90038, MedGen C2749604, MONDO:0009335, OMIM 235400. Disease mechanism: Other.

Allele frequency attached by ClinVar (database versions not stated): gnomAD exomes below 0.00001.
gnomAD v4.1: 1 of 1,608,428 alleles (0.000062%); highest among the groups gnomAD compares: Non-Finnish European, 0.000085%; no homozygotes.

Submission:

MVZ Medizinische Genetik Mainz
Classification: Likely pathogenic for Hemolytic uremic syndrome, atypical, susceptibility to, 1. Last evaluated: 2023-05-04. Review status: criteria provided, single submitter. Criteria: UK Practice Guidelines For Variant Classification V4 01 2020. Collection method: clinical testing. Allele origin: germline. Inheritance: Autosomal dominant inheritance. Affected: yes. Observed: 1 variant allele.
Comment: ACMG Criteria: PVS1_STR,PM2_SUP,PP4

NM_000186.4(CFH):c.1520-2A>G

Gene: CFH (complement factor H; plus strand). Cytogenetic location: 1q31.3.
Variant type: single nucleotide variant.
Coding change: c.1520-2A>G on transcript NM_000186.4 (MANE Select); the canonical splice acceptor site of the intron before coding-DNA position 1520, A replaced by G.
Molecular consequence: splice acceptor variant.
Genome position (GRCh38, 1-based): chr1:196,715,591, A>G. VCF-style: chr1-196715591-A-G. GRCh37 (hg19) VCF-style: chr1-196684721-A-G.
Identifiers: ClinVar variation 3066309 (VCV003066309.1), dbSNP rs2529474366, ClinGen allele CA343982672.